The following is an entry in ClinVar:

NM_152419.3(HGSNAT):c.1330C>T (p.Arg444Cys)

Gene: HGSNAT (heparan-alpha-glucosaminide N-acetyltransferase; plus strand). Cytogenetic location: 8p11.21.
Variant type: single nucleotide variant.
Coding change: c.1330C>T on transcript NM_152419.3 (MANE Select); coding-DNA position 1330, C replaced by T.
Protein change: p.Arg444Cys; replaces arginine 444 with cysteine.
Molecular consequence: missense variant.
Genome position (GRCh38, 1-based): chr8:43,192,383, C>T. VCF-style: chr8-43192383-C-T. GRCh37 (hg19) VCF-style: chr8-43047526-C-T.
Other names: c.1330C>T, p.Arg444Cys (NM_001363227.2); c.1138C>T, p.Arg380Cys (NM_001363228.2); c.466C>T, p.Arg156Cys (NM_001363229.2); short protein forms R380C, R444C, R156C.
Identifiers: ClinVar variation 866424 (VCV000866424.16), dbSNP rs763301637, ClinGen allele CA371119701.

ClinVar aggregate classification (germline): Conflicting classifications of pathogenicity. Review status: criteria provided, conflicting classifications (1 of 4 stars). 6 submissions from 6 submitters: Pathogenic (1); Uncertain significance (4). 1 of the submissions does not count toward it. Last evaluated 2025-12-18.

Conditions:
Mucopolysaccharidosis, MPS-III-C (MPS3C). Also called: SANFILIPPO SYNDROME C; mucopolysaccharidosis type 3C; Mucopolysaccharidosis type IIIC (Sanfilippo C); MPS IIIC (Sanfilippo Syndrome Type C); MUCOPOLYSACCHARIDOSIS, TYPE IIIC; MPS III C. Identifiers: Orphanet 581, Orphanet 79271, MedGen C0086649, MONDO:0009657, OMIM 252930.
Retinitis pigmentosa 73 (RP73). Identifiers: Orphanet 791, MedGen C4225287, MONDO:0014687, OMIM 616544.

Allele frequency attached by ClinVar (database versions not stated): TOPMed 0.00001.
gnomAD v4.1: 16 of 1,613,112 alleles (0.00099%); highest among the groups gnomAD compares: Admixed American, 0.0033%; no homozygotes.

Submissions (6):

GeneDx
Classification: Uncertain significance. Last evaluated: 2025-12-18. Review status: criteria provided, single submitter. Criteria: GeneDx Variant Classification Process June 2021. Collection method: clinical testing. Allele origin: germline. Affected: yes.
Comment: Not observed at a significant frequency in large population cohorts (gnomAD); In silico analysis supports that this missense variant has a deleterious effect on protein structure/function; This variant is associated with the following publications: (PMID: 35848209)

Labcorp Genetics (formerly Invitae), Labcorp
Classification: Uncertain significance for Retinitis pigmentosa 73; Mucopolysaccharidosis, MPS-III-C. Last evaluated: 2025-10-21. Review status: criteria provided, single submitter. Criteria: Invitae Variant Classification Sherloc (09022015). Collection method: clinical testing. Allele origin: germline.
Comment: This sequence change replaces arginine, which is basic and polar, with cysteine, which is neutral and slightly polar, at codon 444 of the HGSNAT protein (p.Arg444Cys). This variant is present in population databases (no rsID available, gnomAD 0.003%). This missense change has been observed in individual(s) with mucopolysaccharidosis type III and/or retinitis pigmentosa (PMID: 35848209; internal data). ClinVar contains an entry for this variant (Variation ID: 866424). Invitae Evidence Modeling of protein sequence and biophysical properties (such as structural, functional, and spatial information, amino acid conservation, physicochemical variation, residue mobility, and thermodynamic stability) has been performed for this missense variant. However, the output from this modeling did not meet the statistical confidence thresholds required to predict the impact of this variant on HGSNAT protein function. In summary, the available evidence is currently insufficient to determine the role of this variant in disease. Therefore, it has been classified as a Variant of Uncertain Significance.

Women's Health and Genetics/Laboratory Corporation of America, LabCorp
Classification: Uncertain significance. Last evaluated: 2023-02-28. Review status: criteria provided, single submitter. Criteria: LabCorp Variant Classification Summary - May 2015. Collection method: clinical testing. Allele origin: germline.
Comment: Variant summary: HGSNAT c.1330C>T (p.Arg444Cys) results in a non-conservative amino acid change in the encoded protein sequence. Four of four in-silico tools predict a damaging effect of the variant on protein function. The variant allele was found at a frequency of 1.2e-05 in 247910 control chromosomes (gnomAD). c.1330C>T has been reported in the literature in two compound heterozygous siblings affected with Mucopolysaccharidosis Type IIIC (Sanfilippo Syndrome C) (Xiao_2022). These data indicate that the variant may be associated with disease. To our knowledge, no experimental evidence demonstrating an impact on protein function has been reported. Five submitters have provided clinical-significance assessments for this variant in ClinVar after 2014, mostly without evidence for independent evaluation, and classified the variant as pathogenic (n=1) or VUS (n=4). Based on the evidence outlined above, the variant was classified as VUS-possibly pathogenic.

Blueprint Genetics
Classification: Uncertain significance. Last evaluated: 2021-10-15. Review status: criteria provided, single submitter. Criteria: ACMG Guidelines, 2015. Collection method: clinical testing. Allele origin: germline.

Undiagnosed Diseases Network, NIH
Classification: Pathogenic for Mucopolysaccharidosis, MPS-III-C. Last evaluated: 2020-02-07. Review status: criteria provided, single submitter. Criteria: ACMG Guidelines, 2015. Collection method: clinical testing. Allele origin: paternal. Inheritance: Autosomal recessive inheritance. Affected: yes. Observed: 1 variant allele, 1 compound heterozygote. Study: Undiagnosed Diseases Network (NIH), UDN.

Natera, Inc.
Classification: Uncertain significance for Mucopolysaccharidosis type IIIC. Last evaluated: 2020-02-10. Review status: no assertion criteria provided. Collection method: clinical testing. Allele origin: germline. Not counted in ClinVar's aggregate classification.

Literature cited by the submitters: PubMed 35848209 (cited by Labcorp Genetics (formerly Invitae), Labcorp and Women's Health and Genetics/Laboratory Corporation of America, LabCorp).